The following is an entry in ClinVar:

ClinVar aggregate classification (germline): Conflicting classifications of pathogenicity. Review status: criteria provided, conflicting classifications (1 of 4 stars). 3 submissions from 3 submitters: Likely pathogenic (1); Uncertain significance (1). 1 of the submissions does not count toward it. Last evaluated 2025-01-08.

Conditions:
Inborn genetic diseases. Identifiers: MedGen C0950123, MeSH D030342.
Pontocerebellar hypoplasia type 6 (PCH6). Identifiers: Orphanet 166073, MedGen C1969084, MONDO:0012683, OMIM 611523.

Allele frequency attached by ClinVar (database versions not stated): gnomAD exomes below 0.00001; gnomAD 0.00001; TOPMed 0.00001; ESP Exome Variant Server 0.00008.
gnomAD v4.1: 7 of 1,612,150 alleles (0.00043%); highest among the groups gnomAD compares: African/African-American, 0.0013%; no homozygotes.

Submissions (3):

Ambry Genetics
Classification: Likely pathogenic for Inborn genetic diseases. Last evaluated: 2025-01-08. Review status: criteria provided, single submitter. Criteria: Ambry Variant Classification Scheme 2023. Collection method: clinical testing. Allele origin: germline.
Comment: The c.1708C>T (p.L570F) alteration is located in exon 20 (coding exon 20) of the RARS2 gene. This alteration results from a C to T substitution at nucleotide position 1708, causing the leucine (L) at amino acid position 570 to be replaced by a phenylalanine (F). This variant was not reported in population-based cohorts in the Genome Aggregation Database (gnomAD). This variant has been identified in the homozygous state and/or in conjunction with other RARS2 variant(s) in individual(s) with features consistent with mitochondrial arginyl-tRNA synthetase deficiency; in at least one instance, the variants were identified in trans (Li, 2022). This amino acid position is highly conserved in available vertebrate species. This alteration is predicted to be deleterious by in silico analysis. Based on the available evidence, this alteration is classified as likely pathogenic.

GeneDx
Classification: Uncertain significance. Last evaluated: 2022-01-06. Review status: criteria provided, single submitter. Criteria: GeneDx Variant Classification Process June 2021. Collection method: clinical testing. Allele origin: germline. Affected: yes.
Comment: Has not been previously published as pathogenic or benign to our knowledge; Not observed at significant frequency in large population cohorts (gnomAD); In silico analysis supports that this missense variant has a deleterious effect on protein structure/function

Natera, Inc.
Classification: Uncertain significance for Pontocerebellar hypoplasia, type 6. Last evaluated: 2020-09-16. Review status: no assertion criteria provided. Collection method: clinical testing. Allele origin: germline. Not counted in ClinVar's aggregate classification.

Literature cited by the submitters: PubMed 10447505 (cited by Ambry Genetics); PubMed 34077496 (cited by Ambry Genetics).

NM_020320.5(RARS2):c.1708C>T (p.Leu570Phe)

Gene: RARS2 (arginyl-tRNA synthetase 2, mitochondrial; minus strand). Cytogenetic location: 6q15.
Variant type: single nucleotide variant.
Coding change: c.1708C>T on transcript NM_020320.5 (MANE Select); coding-DNA position 1708, C replaced by T.
Protein change: p.Leu570Phe; replaces leucine 570 with phenylalanine.
Molecular consequence: missense variant. On other transcripts: non-coding transcript variant (23).
Genome position (GRCh38, 1-based): chr6:87,514,442, G>A on the plus strand (C>T on the coding strand, the complement: RARS2 is on the minus strand). VCF-style: chr6-87514442-G-A. GRCh37 (hg19) VCF-style: chr6-88224160-G-A.
Other names: c.1183C>T, p.Leu395Phe (NM_001318785.2, NM_001350506.2, NM_001350507.2 and 4 more transcripts); c.1708C>T, p.Leu570Phe (NM_001350505.2); short protein forms L570F, L395F.
Identifiers: ClinVar variation 521519 (VCV000521519.8), dbSNP rs144242932, ClinGen allele CA142839419.